The following is an entry in ClinVar:

ClinVar aggregate classification (germline): Likely pathogenic. Review status: criteria provided, multiple submitters, no conflicts (2 of 4 stars). 2 submissions from 2 submitters: Likely pathogenic (2). Last evaluated 2022-06-09.

Conditions:
Hyper-IgE recurrent infection syndrome 1, autosomal dominant. Also called: STAT3 Hyper IgE Syndrome; HYPER-IgE SYNDROME 1, AUTOSOMAL DOMINANT, WITH RECURRENT INFECTIONS; Job's Syndrome; Hyper-IgE recurrent infection syndrome 1; JOB SYNDROME. Identifiers: Orphanet 2314, MedGen C2936739, MONDO:0007818, OMIM 147060.

Submissions (2):

Laboratorio de Genetica e Diagnostico Molecular, Hospital Israelita Albert Einstein
Classification: Likely pathogenic for Hyper-IgE recurrent infection syndrome 1, autosomal dominant. Last evaluated: 2022-06-09. Review status: criteria provided, single submitter. Criteria: ACMG Guidelines, 2015. Collection method: clinical testing. Allele origin: germline. Affected: yes. Observed: 1 variant allele.
Comment: ACMG classification criteria: PS4 supporting, PM2 moderated, PM5 moderated, PP2 supporting, PP3 supporting

GeneDx
Classification: Likely pathogenic. Last evaluated: 2015-09-24. Review status: criteria provided, single submitter. Criteria: GeneDx Variant Classification (06012015). Collection method: clinical testing. Allele origin: germline. Affected: yes.
Comment: The I711V variant that is likely disease-causing in the STAT3 gene has been previously reported in association with primary immunodeficiency (Moens et al., 2014). It was not observed in approximately 6,500 individuals of European and African American ancestry in the NHLBI Exome Sequencing Project, indicating it is not a common benign variant in these populations. I711V is a conservative amino acid substitution, which is not likely to impact secondary protein structure as these residues share similar properties. This substitution occurs at a position that is conserved across species. However, in-silico analysis is inconsistent in its predictions as to whether or not the variant is damaging to the protein structure/function. Another missense change at the same residue (I711T) and missense variant in nearby residues (A703T, Y705N/C, L706M, T708S/N, K709E, F710C, V713M/L, T714A/I, T716M) have been reported in the Human Gene Mutation Database in association with STAT3-related disorders (Stenson et al., 2014), supporting the functional importance of this region of the protein. Therefore, this variant is a strong candidate for a pathogenic variant, however the possibility that it is a benign variant cannot be excluded.

NM_139276.3(STAT3):c.2131A>G (p.Ile711Val)

Gene: STAT3 (signal transducer and activator of transcription 3; minus strand). Cytogenetic location: 17q21.2.
Variant type: single nucleotide variant.
Coding change: c.2131A>G on transcript NM_139276.3 (MANE Select); coding-DNA position 2131, A replaced by G.
Protein change: p.Ile711Val; replaces isoleucine 711 with valine.
Molecular consequence: missense variant. On other transcripts: intron variant (1).
Genome position (GRCh38, 1-based): chr17:42,317,195, T>C on the plus strand (A>G on the coding strand, the complement: STAT3 is on the minus strand). VCF-style: chr17-42317195-T-C. GRCh37 (hg19) VCF-style: chr17-40469213-T-C.
Other names: c.2131A>G, p.Ile711Val (NM_001369512.1, NM_001369513.1, NM_001369517.1 and 3 more transcripts); c.2128A>G, p.Ile710Val (NM_001369514.1, NM_001369516.1, NM_001369519.1 and 2 more transcripts); c.2047A>G, p.Ile683Val (NM_001384984.1); c.2053A>G, p.Ile685Val (NM_001384985.1); c.2143A>G, p.Ile715Val (NM_001384986.1); c.2110A>G, p.Ile704Val (NM_001384987.1); c.2032A>G, p.Ile678Val (NM_001384989.1); c.2146A>G, p.Ile716Val (NM_001384990.1); and 3 more; short protein forms I711V, I710V, I678V, I683V, I685V, I691V, I702V, I704V.
Identifiers: ClinVar variation 430388 (VCV000430388.3), dbSNP rs1131691937, ClinGen allele CA399580199.
Genomic context (GRCh38, chr17:42,317,195, plus strand): 5'-TGAGGATATTAGAAATGAAGGCAAAACGGGGAAAGGAAGCCACTTACGGTGTCACACAGA[T>C]AAACTTGGTCTTCAGGTATGGGGCAGCGCCTGGGAAGAAGAAAACCAGTTTTCTTACTGA-3'
Protein context (NP_644805.1, residues 701-721): SAAPYLKTKF[Ile711Val]CVTPTTCSNT